The following is an entry in ClinVar:

NM_012268.4(PLD3):c.45G>A (p.Glu15=)

Gene: PLD3 (phospholipase D family member 3; plus strand). Cytogenetic location: 19q13.2.
Variant type: single nucleotide variant.
Coding change: c.45G>A on transcript NM_012268.4 (MANE Select); coding-DNA position 45, G replaced by A.
Protein change: p.Glu15=; no amino-acid change (glutamic acid 15 retained).
Molecular consequence: synonymous variant.
Genome position (GRCh38, 1-based): chr19:40,366,627, G>A. VCF-style: chr19-40366627-G-A. GRCh37 (hg19) VCF-style: chr19-40872534-G-A.
Other names: c.45G>A, p.Glu15= (NM_001031696.4, NM_001291311.2).
Identifiers: ClinVar variation 3046314 (VCV003046314.2), dbSNP rs760407817, ClinGen allele CA9442560.

ClinVar aggregate classification (germline): Likely benign (0 of 4 stars; one submission).

Conditions:
PLD3-related disorder. Also called: PLD3-related condition.

Allele frequency attached by ClinVar (database versions not stated): gnomAD exomes below 0.00001; TOPMed below 0.00001; gnomAD 0.00001; ExAC 0.00003.
gnomAD v4.1: 7 of 1,579,874 alleles (0.00044%); highest among the groups gnomAD compares: South Asian, 0.0046%; no homozygotes.

Submission:

PreventionGenetics, part of Exact Sciences
Classification: Likely benign for PLD3-related condition. Last evaluated: 2022-05-27. Review status: no assertion criteria provided. Collection method: clinical testing. Allele origin: germline.
Comment: This variant is classified as likely benign based on ACMG/AMP sequence variant interpretation guidelines (Richards et al. 2015 PMID: 25741868, with internal and published modifications).